The following is an entry in ClinVar:

ClinVar aggregate classification (germline): Uncertain significance. Review status: criteria provided, multiple submitters, no conflicts (2 of 4 stars). 2 submissions from 2 submitters: Uncertain significance (2). Last evaluated 2024-01-31.

Conditions:
Inborn genetic diseases. Identifiers: MedGen C0950123, MeSH D030342.

Allele frequency attached by ClinVar (database versions not stated): gnomAD 0.00001; gnomAD exomes 0.00002.
gnomAD v4.1: 29 of 1,607,192 alleles (0.0018%); highest among the groups gnomAD compares: Middle Eastern, 0.017%; no homozygotes.

Submissions (2):

Ambry Genetics
Classification: Uncertain significance for Inborn genetic diseases. Last evaluated: 2024-01-31. Review status: criteria provided, single submitter. Criteria: Ambry Variant Classification Scheme 2023. Collection method: clinical testing. Allele origin: germline.

Labcorp Genetics (formerly Invitae), Labcorp
Classification: Uncertain significance. Last evaluated: 2023-06-23. Review status: criteria provided, single submitter. Criteria: Invitae Variant Classification Sherloc (09022015). Collection method: clinical testing. Allele origin: germline.
Comment: In summary, the available evidence is currently insufficient to determine the role of this variant in disease. Therefore, it has been classified as a Variant of Uncertain Significance. An algorithm developed to predict the effect of missense changes on protein structure and function (PolyPhen-2) suggests that this variant is likely to be disruptive. This variant has not been reported in the literature in individuals affected with TOP3A-related conditions. The frequency data for this variant in the population databases is considered unreliable, as metrics indicate poor data quality at this position in the gnomAD database. This sequence change replaces aspartic acid, which is acidic and polar, with asparagine, which is neutral and polar, at codon 522 of the TOP3A protein (p.Asp522Asn).

NM_004618.5(TOP3A):c.1564G>A (p.Asp522Asn)

Gene: TOP3A (DNA topoisomerase III alpha; minus strand). Cytogenetic location: 17p11.2.
Variant type: single nucleotide variant.
Coding change: c.1564G>A on transcript NM_004618.5 (MANE Select); coding-DNA position 1564, G replaced by A.
Protein change: p.Asp522Asn; replaces aspartic acid 522 with asparagine.
Molecular consequence: missense variant.
Genome position (GRCh38, 1-based): chr17:18,290,590, C>T on the plus strand (G>A on the coding strand, the complement: TOP3A is on the minus strand). VCF-style: chr17-18290590-C-T. GRCh37 (hg19) VCF-style: chr17-18193904-C-T.
Other names: c.1279G>A, p.Asp427Asn (NM_001320759.2); c.1564G>A (NM_004618.3); short protein forms D427N, D522N.
Identifiers: ClinVar variation 3004360 (VCV003004360.2), dbSNP rs1234032546, ClinGen allele CA398630982.
Genomic context (GRCh38, chr17:18,290,590, plus strand): 5'-TGCGAGTTACCCAGAGGAGCCACTGACCAATGCCATGCTTCTCCATGAGGGCAATGAGGT[C>T]GGCCTCGGTGAGCAGCTTGGGTGGGCTGGTCTCCCCGTCCACCATCTCCACGGTGCTGGG-3'
Protein context (NP_004609.1, residues 512-532): TSPPKLLTEA[Asp522Asn]LIALMEKHGI